The following is an entry in ClinVar:

ClinVar aggregate classification (germline): Uncertain significance (1 of 4 stars; one submission).

Submission:

Labcorp Genetics (formerly Invitae), Labcorp
Classification: Uncertain significance. Last evaluated: 2025-07-13. Review status: criteria provided, single submitter. Criteria: Invitae Variant Classification Sherloc (09022015). Collection method: clinical testing. Allele origin: germline.
Comment: This sequence change replaces aspartic acid, which is acidic and polar, with glycine, which is neutral and non-polar, at codon 1131 of the POLE protein (p.Asp1131Gly). This variant is not present in population databases (gnomAD no frequency). This variant has not been reported in the literature in individuals affected with POLE-related conditions. ClinVar contains an entry for this variant (Variation ID: 643009). Invitae Evidence Modeling of protein sequence and biophysical properties (such as structural, functional, and spatial information, amino acid conservation, physicochemical variation, residue mobility, and thermodynamic stability) indicates that this missense variant is not expected to disrupt POLE protein function with a negative predictive value of 80%. In summary, the available evidence is currently insufficient to determine the role of this variant in disease. Therefore, it has been classified as a Variant of Uncertain Significance.

NM_006231.4(POLE):c.3392A>G (p.Asp1131Gly)

Gene: POLE (DNA polymerase epsilon, catalytic subunit; minus strand). Cytogenetic location: 12q24.33.
Variant type: single nucleotide variant.
Coding change: c.3392A>G on transcript NM_006231.4 (MANE Select); coding-DNA position 3392, A replaced by G.
Protein change: p.Asp1131Gly; replaces aspartic acid 1131 with glycine.
Molecular consequence: missense variant.
Genome position (GRCh38, 1-based): chr12:132,657,416, T>C on the plus strand (A>G on the coding strand, the complement: POLE is on the minus strand). VCF-style: chr12-132657416-T-C. GRCh37 (hg19) VCF-style: chr12-133234002-T-C.
Other names: short protein forms D1131G.
Identifiers: ClinVar variation 643009 (VCV000643009.8), dbSNP rs1593766748, ClinGen allele CA387389528.